The following is an entry in ClinVar:

ClinVar aggregate classification (germline): Uncertain significance (1 of 4 stars; one submission).

Submission:

Women's Health and Genetics/Laboratory Corporation of America, LabCorp
Classification: Uncertain significance. Last evaluated: 2023-07-25. Review status: criteria provided, single submitter. Criteria: LabCorp Variant Classification Summary - May 2015. Collection method: clinical testing. Allele origin: germline.
Comment: Variant summary: MCCC1 c.221_222delinsCC (p.Gln74Pro) results in a non-conservative amino acid change located in both the N-terminal domain (IPR005481) and the biotin carboxylation domain (IPR011764) of the encoded protein sequence. Three of five in-silico tools predict a damaging effect of the variant on protein function. Computational tools predict no significant impact on normal splicing. However, these predictions have yet to be confirmed by functional studies. The variant was absent in 251482 control chromosomes (gnomAD v2.1.1). The available data on variant occurrences in the general population are insufficient to allow any conclusion about variant significance. c.221_222delinsCC has been reported in the literature in at least one asymptomatic individual possibly affected with Methylcrotonyl-CoA Carboxylase Deficiency (e.g., Ye_2014). This report does not provide unequivocal conclusions about association of the variant with Methylcrotonyl-CoA Carboxylase Deficiency. To our knowledge, no experimental evidence demonstrating an impact on protein function has been reported. The following publication was ascertained in the context of this evaluation (PMID: 25190158). No submitters have reported clinical-significance assessments for this variant to ClinVar after 2014. Based on the evidence outlined above, the variant was classified as uncertain significance.

Literature cited by the submitters: PubMed 25190158.

NM_020166.5(MCCC1):c.221_222delinsCC (p.Gln74Pro)

Gene: MCCC1 (methylcrotonyl-CoA carboxylase subunit 1; minus strand). Cytogenetic location: 3q27.1.
Variant type: Indel.
Coding change: c.221_222delinsCC on transcript NM_020166.5 (MANE Select); coding-DNA positions 221 to 222, AG replaced by CC.
Protein change: p.Gln74Pro; replaces glutamine 74 with proline.
Molecular consequence: missense variant. On other transcripts: non-coding transcript variant (1), intron variant (2).
Genome position (GRCh38, 1-based): chr3:183,092,460-183,092,461, CT replaced by GG on the plus strand (AG replaced by CC on the coding strand, the reverse complement: MCCC1 is on the minus strand). VCF-style: chr3-183092460-CT-GG. GRCh37 (hg19) VCF-style: chr3-182810248-CT-GG.
Other names: c.-55+2098_-55+2099delinsCC (NM_001363880.1); c.44+2098_44+2099delinsCC (NM_001293273.2); short protein forms Q74P.
Identifiers: ClinVar variation 2577130 (VCV002577130.1), dbSNP rs2530509631, ClinGen allele CA2580616015.